The following is an entry in ClinVar:

NM_013266.4(CTNNA3):c.844-6T>G

Gene: CTNNA3 (catenin alpha 3; minus strand). Cytogenetic location: 10q21.3.
Variant type: single nucleotide variant.
Coding change: c.844-6T>G on transcript NM_013266.4 (MANE Select); 6 bases into the intron before coding-DNA position 844, T replaced by G.
Molecular consequence: intron variant.
Genome position (GRCh38, 1-based): chr10:67,180,526, A>C on the plus strand (T>G on the coding strand, the complement: CTNNA3 is on the minus strand). VCF-style: chr10-67180526-A-C. GRCh37 (hg19) VCF-style: chr10-68940284-A-C.
Other names: c.844-6T>G (NM_001127384.3); c.880-6T>G (NM_001291133.2).
Identifiers: ClinVar variation 2176854 (VCV002176854.4), dbSNP rs751418187, ClinGen allele CA5520468.

ClinVar aggregate classification (germline): Uncertain significance (1 of 4 stars; one submission).

Conditions:
Arrhythmogenic right ventricular dysplasia 13. Also called: Arrhythmogenic right ventricular dysplasia, familial, 13; ARRHYTHMOGENIC RIGHT VENTRICULAR CARDIOMYOPATHY 13. Identifiers: MedGen C3810138, MONDO:0000908, OMIM 615616.

Allele frequency attached by ClinVar (database versions not stated): gnomAD exomes below 0.00001; TOPMed below 0.00001; ExAC 0.00001.
gnomAD v4.1: 3 of 1,606,152 alleles (0.00019%); highest among the groups gnomAD compares: Non-Finnish European, 0.00026%; no homozygotes.

Submission:

Labcorp Genetics (formerly Invitae), Labcorp
Classification: Uncertain significance for Arrhythmogenic right ventricular dysplasia 13. Last evaluated: 2022-05-06. Review status: criteria provided, single submitter. Criteria: Invitae Variant Classification Sherloc (09022015). Collection method: clinical testing. Allele origin: germline.
Comment: In summary, the available evidence is currently insufficient to determine the role of this variant in disease. Therefore, it has been classified as a Variant of Uncertain Significance. Algorithms developed to predict the effect of sequence changes on RNA splicing suggest that this variant may create or strengthen a splice site. This variant has not been reported in the literature in individuals affected with CTNNA3-related conditions. This variant is present in population databases (rs751418187, gnomAD 0.0009%). This sequence change falls in intron 6 of the CTNNA3 gene. It does not directly change the encoded amino acid sequence of the CTNNA3 protein.